The following is an entry in ClinVar:

NM_000038.6(APC):c.4126T>C (p.Tyr1376His)

Gene: APC (APC regulator of Wnt signaling pathway; plus strand). Cytogenetic location: 5q22.2.
Variant type: single nucleotide variant.
Coding change: c.4126T>C on transcript NM_000038.6 (MANE Select); coding-DNA position 4126, T replaced by C.
Protein change: p.Tyr1376His; replaces tyrosine 1376 with histidine.
Molecular consequence: missense variant.
Genome position (GRCh38, 1-based): chr5:112,839,720, T>C. VCF-style: chr5-112839720-T-C. GRCh37 (hg19) VCF-style: chr5-112175417-T-C.
Other names: c.4126T>C, p.Tyr1376His (NM_001127510.3, NM_001354895.2); c.4072T>C, p.Tyr1358His (NM_001127511.3); c.4180T>C, p.Tyr1394His (NM_001354896.2); c.4156T>C, p.Tyr1386His (NM_001354897.2); c.4051T>C, p.Tyr1351His (NM_001354898.2); c.4042T>C, p.Tyr1348His (NM_001354899.2); c.4003T>C, p.Tyr1335His (NM_001354900.2); c.3949T>C, p.Tyr1317His (NM_001354901.2); and 5 more; short protein forms Y1216H, Y1285H, Y1335H, Y1093H, Y1275H, Y1317H, Y1348H, Y1376H.
Identifiers: ClinVar variation 852780 (VCV000852780.49), dbSNP rs1765609325, ClinGen allele CA16030368.

ClinVar aggregate classification (germline): Uncertain significance. Review status: criteria provided, multiple submitters, no conflicts (2 of 4 stars). 2 submissions from 2 submitters: Uncertain significance (2). Last evaluated 2024-08-07.

Conditions:
Hereditary cancer-predisposing syndrome. Also called: Neoplastic Syndromes, Hereditary; Hereditary Cancer Syndrome; Tumor predisposition; Hereditary neoplastic syndrome. Identifiers: Orphanet 140162, MedGen C0027672, MeSH D009386, MONDO:0015356.
Familial adenomatous polyposis 1 (FAP1). Also called: POLYPOSIS, ADENOMATOUS INTESTINAL; FAMILIAL ADENOMATOUS POLYPOSIS 1, ATTENUATED. Identifiers: MedGen C2713442, MONDO:0021056, OMIM 175100. Disease mechanism: loss of function.

Submissions (2):

Labcorp Genetics (formerly Invitae), Labcorp
Classification: Uncertain significance for Familial adenomatous polyposis 1. Last evaluated: 2024-08-07. Review status: criteria provided, single submitter. Criteria: Invitae Variant Classification Sherloc (09022015). Collection method: clinical testing. Allele origin: germline.
Comment: This sequence change replaces tyrosine, which is neutral and polar, with histidine, which is basic and polar, at codon 1376 of the APC protein (p.Tyr1376His). This variant is not present in population databases (gnomAD no frequency). This variant has not been reported in the literature in individuals affected with APC-related conditions. ClinVar contains an entry for this variant (Variation ID: 852780). Advanced modeling of protein sequence and biophysical properties (such as structural, functional, and spatial information, amino acid conservation, physicochemical variation, residue mobility, and thermodynamic stability) performed at Invitae indicates that this missense variant is not expected to disrupt APC protein function with a negative predictive value of 95%. In summary, the available evidence is currently insufficient to determine the role of this variant in disease. Therefore, it has been classified as a Variant of Uncertain Significance.

Sema4
Classification: Uncertain significance for Hereditary cancer-predisposing syndrome. Last evaluated: 2021-05-06. Review status: criteria provided, single submitter. Criteria: Sema4 Curation Guidelines. Collection method: curation. Allele origin: germline.
Comment: The APC c.4126T>C (p.Y1376H) variant has not been reported in the literature to our knowledge. It was not observed in the large and broad cohorts of the Genome Aggregation Database (PMID: 32461654). This variant has been reported in ClinVar (Variation ID 852780). In silico tools suggest the impact of the variant on protein function is inconclusive, though these predictions have not been confirmed by functional studies. The overall evidence is insufficient to meet ACMG/AMP criteria for classifying it as benign or pathogenic. In summary, the clinical significance of this variant is currently uncertain.